The following is an entry in ClinVar:

NM_015164.4(PLEKHM2):c.3018C>G (p.Asp1006Glu)

Gene: PLEKHM2 (pleckstrin homology and RUN domain containing M2; plus strand). Cytogenetic location: 1p36.21.
Variant type: single nucleotide variant.
Coding change: c.3018C>G on transcript NM_015164.4 (MANE Select); coding-DNA position 3018, C replaced by G.
Protein change: p.Asp1006Glu; replaces aspartic acid 1006 with glutamic acid.
Molecular consequence: missense variant.
Genome position (GRCh38, 1-based): chr1:15,733,892, C>G. VCF-style: chr1-15733892-C-G. GRCh37 (hg19) VCF-style: chr1-16060387-C-G.
Other names: c.2958C>G, p.Asp986Glu (NM_001410755.1); c.3018C>G (NM_015164.2); short protein forms D986E, D1006E.
Identifiers: ClinVar variation 2714513 (VCV002714513.4), dbSNP rs1295427920, ClinGen allele CA338576558.

ClinVar aggregate classification (germline): Uncertain significance. Review status: criteria provided, multiple submitters, no conflicts (2 of 4 stars). 2 submissions from 2 submitters: Uncertain significance (2). Last evaluated 2023-02-24.

Allele frequency attached by ClinVar (database versions not stated): TOPMed 0.00001.
gnomAD v4.1: 4 of 1,612,906 alleles (0.00025%); highest among the groups gnomAD compares: African/African-American, 0.0027%; no homozygotes.

Submissions (2):

Labcorp Genetics (formerly Invitae), Labcorp
Classification: Uncertain significance. Last evaluated: 2023-02-24. Review status: criteria provided, single submitter. Criteria: Invitae Variant Classification Sherloc (09022015). Collection method: clinical testing. Allele origin: germline.
Comment: This variant is not present in population databases (gnomAD no frequency). In summary, the available evidence is currently insufficient to determine the role of this variant in disease. Therefore, it has been classified as a Variant of Uncertain Significance. An algorithm developed to predict the effect of missense changes on protein structure and function (PolyPhen-2) suggests that this variant is likely to be disruptive. This variant has not been reported in the literature in individuals affected with PLEKHM2-related conditions. This sequence change replaces aspartic acid, which is acidic and polar, with glutamic acid, which is acidic and polar, at codon 1006 of the PLEKHM2 protein (p.Asp1006Glu).

Ambry Genetics
Classification: Uncertain significance. Last evaluated: 2022-08-16. Review status: criteria provided, single submitter. Criteria: Ambry Variant Classification Scheme 2023. Collection method: clinical testing. Allele origin: germline.